The following is an entry in ClinVar:

ClinVar aggregate classification (germline): Uncertain significance. Review status: criteria provided, multiple submitters, no conflicts (2 of 4 stars). 2 submissions from 2 submitters: Uncertain significance (2). Last evaluated 2026-04-25.

Conditions:
TNXB-related disorder. Also called: TNXB-related condition.
Cardiovascular phenotype. Identifiers: MedGen CN230736.

gnomAD v4.1: 32 of 1,613,612 alleles (0.002%); highest among the groups gnomAD compares: Middle Eastern, 0.033%; 1 homozygote.

Submissions (2):

PreventionGenetics, part of Exact Sciences
Classification: Uncertain significance for TNXB-related condition. Last evaluated: 2026-04-25. Review status: criteria provided, single submitter. Criteria: ACMG Guidelines, 2015. Collection method: clinical testing. Allele origin: germline.
Comment: The TNXB c.6511C>T variant is predicted to result in the amino acid substitution p.Arg2171Cys. To our knowledge, this variant has not been reported in the literature. This variant is reported in 0.0051% of alleles in individuals of East Asian descent in gnomAD, including one homozygous record. At this time, the clinical significance of this variant is uncertain due to the absence of conclusive functional and genetic evidence.

Ambry Genetics
Classification: Uncertain significance for Cardiovascular phenotype. Last evaluated: 2024-03-22. Review status: criteria provided, single submitter. Criteria: Ambry Variant Classification Scheme 2023. Collection method: clinical testing. Allele origin: germline.
Comment: The p.R2171C variant (also known as c.6511C>T), located in coding exon 17 of the TNXB gene, results from a C to T substitution at nucleotide position 6511. The arginine at codon 2171 is replaced by cysteine, an amino acid with highly dissimilar properties. This amino acid position is conserved. In addition, this alteration is predicted to be tolerated by in silico analysis. Based on the available evidence, the clinical significance of this alteration remains unclear.

NM_001365276.2(TNXB):c.6511C>T (p.Arg2171Cys)

Gene: TNXB (tenascin XB; minus strand). Cytogenetic location: 6p21.33.
Variant type: single nucleotide variant.
Coding change: c.6511C>T on transcript NM_001365276.2 (MANE Select); coding-DNA position 6511, C replaced by T.
Protein change: p.Arg2171Cys; replaces arginine 2171 with cysteine.
Molecular consequence: missense variant.
Genome position (GRCh38, 1-based): chr6:32,067,694, G>A on the plus strand (C>T on the coding strand, the complement: TNXB is on the minus strand). VCF-style: chr6-32067694-G-A. GRCh37 (hg19) VCF-style: chr6-32035471-G-A.
Other names: c.6511C>T, p.Arg2171Cys (NM_019105.8); short protein forms R2171C.
Identifiers: ClinVar variation 3327869 (VCV003327869.2).